The following is an entry in ClinVar:

ClinVar aggregate classification (germline): Benign/Likely benign. Review status: criteria provided, multiple submitters, no conflicts (2 of 4 stars). 6 submissions from 4 submitters: Benign (5); Likely benign (1). Last evaluated 2021-12-05.

Conditions:
ANO5-Related Muscle Diseases. Identifiers: MedGen CN180644.
Miyoshi muscular dystrophy 3 (MMD3). Also called: Miyoshi Muscular Dystrophy 3 (MMD3); Miyoshi myopathy 3. Identifiers: Orphanet 399096, MedGen C2750076, MONDO:0013222, OMIM 613319.
Gnathodiaphyseal dysplasia (GDD). Also called: GNATHODIAPHYSEAL SCLEROSIS; OSTEOGENESIS IMPERFECTA WITH UNUSUAL SKELETAL LESIONS. Identifiers: Orphanet 53697, MedGen C1833736, MONDO:0008151, OMIM 166260.
Autosomal recessive limb-girdle muscular dystrophy type 2L (LGMDR12). Also called: Limb-girdle muscular dystrophy, type 2L; Limb-Girdle Muscular Dystrophy R12 Anoctamin-5-Related (LGMD-R12); MUSCULAR DYSTROPHY, LIMB-GIRDLE, AUTOSOMAL RECESSIVE 12. Identifiers: Orphanet 206549, MedGen C1969785, MONDO:0012652, OMIM 611307.

Allele frequency attached by ClinVar (database versions not stated): 1000 Genomes Project 0.44409; 1000 Genomes Project 30x 0.44488; TOPMed 0.50294; gnomAD 0.53080 and 0.53183; gnomAD exomes 0.59824.

Submissions (6):

Genome-Nilou Lab
Classification: Benign for Gnathodiaphyseal dysplasia. Last evaluated: 2021-12-05. Review status: criteria provided, single submitter. Criteria: ACMG Guidelines, 2015. Collection method: clinical testing. Allele origin: germline. Affected: no.

Genome-Nilou Lab
Classification: Benign for Miyoshi muscular dystrophy 3. Last evaluated: 2021-12-05. Review status: criteria provided, single submitter. Criteria: ACMG Guidelines, 2015. Collection method: clinical testing. Allele origin: germline. Affected: no.

Genome-Nilou Lab
Classification: Benign for Autosomal recessive limb-girdle muscular dystrophy type 2L. Last evaluated: 2021-12-05. Review status: criteria provided, single submitter. Criteria: ACMG Guidelines, 2015. Collection method: clinical testing. Allele origin: germline. Affected: no.

GeneDx
Classification: Benign. Last evaluated: 2021-05-10. Review status: criteria provided, single submitter. Criteria: GeneDx Variant Classification Process June 2021. Collection method: clinical testing. Allele origin: germline. Affected: yes.

Illumina Laboratory Services, Illumina
Classification: Benign for ANO5-Related Muscle Diseases. Last evaluated: 2018-01-13. Review status: criteria provided, single submitter. Criteria: ICSL Variant Classification Criteria 13 December 2019. Collection method: clinical testing. Allele origin: germline.
Comment: This variant was observed in the ICSL laboratory as part of a predisposition screen in an ostensibly healthy population. It had not been previously curated by ICSL or reported in the Human Gene Mutation Database (HGMD: prior to June 1st, 2018), and was therefore a candidate for classification through an automated scoring system. Utilizing variant allele frequency, disease prevalence and penetrance estimates, and inheritance mode, an automated score was calculated to assess if this variant is too frequent to cause the disease. Based on the score and internal cut-off values, a variant classified as benign is not then subjected to further curation. The score for this variant resulted in a classification of benign for this disease.

Breakthrough Genomics
Classification: Likely benign. Review status: criteria provided, single submitter. Criteria: ACMG Guidelines, 2015. Collection method: not provided. Allele origin: germline. Inheritance: Autosomal recessive inheritance. Affected: yes.

NM_213599.3(ANO5):c.*496A>G

Gene: ANO5 (anoctamin 5; plus strand). Cytogenetic location: 11p14.3.
Variant type: single nucleotide variant.
Coding change: c.*496A>G on transcript NM_213599.3 (MANE Select); 496 bases downstream of the stop codon, A replaced by G.
Molecular consequence: 3 prime UTR variant.
Genome position (GRCh38, 1-based): chr11:22,280,261, A>G. VCF-style: chr11-22280261-A-G. GRCh37 (hg19) VCF-style: chr11-22301807-A-G.
Other names: c.*496A>G (NM_001142649.2).
Identifiers: ClinVar variation 304121 (VCV000304121.9), dbSNP rs10766930, ClinGen allele CA10638164.
Genomic context (GRCh38, chr11:22,280,261, plus strand): 5'-AGACTGACTGAGCCCTATATATCCTATCATTTTAAAATATGCAAATGAATTGCCAAGATC[A>G]GATGACATAAGAAAACTCACACATTAAGGTGTTAATGTATCATAGCAGAGGTTTATTCCT-3'